The following is an entry in ClinVar:

ClinVar aggregate classification (germline): Uncertain significance. Review status: criteria provided, multiple submitters, no conflicts (2 of 4 stars). 2 submissions from 2 submitters: Uncertain significance (2). Last evaluated 2023-05-17.

Conditions:
Developmental and epileptic encephalopathy. Identifiers: MedGen C5779964, MONDO:0100620.
Inborn genetic diseases. Identifiers: MedGen C0950123, MeSH D030342.

Allele frequency attached by ClinVar (database versions not stated): gnomAD 0.00001; TOPMed 0.00001; gnomAD exomes 0.00002 and 0.00003; ExAC 0.00003.
gnomAD v4.1: 25 of 1,614,026 alleles (0.0015%); highest among the groups gnomAD compares: Admixed American, 0.0017%; no homozygotes.

Submissions (2):

Ambry Genetics
Classification: Uncertain significance for Inborn genetic diseases. Last evaluated: 2023-05-17. Review status: criteria provided, single submitter. Criteria: Ambry Variant Classification Scheme 2023. Collection method: clinical testing. Allele origin: germline.

Labcorp Genetics (formerly Invitae), Labcorp
Classification: Uncertain significance for Early-infantile DEE. Last evaluated: 2022-10-05. Review status: criteria provided, single submitter. Criteria: Invitae Variant Classification Sherloc (09022015). Collection method: clinical testing. Allele origin: germline.
Comment: In summary, the available evidence is currently insufficient to determine the role of this variant in disease. Therefore, it has been classified as a Variant of Uncertain Significance. Advanced modeling of protein sequence and biophysical properties (such as structural, functional, and spatial information, amino acid conservation, physicochemical variation, residue mobility, and thermodynamic stability) performed at Invitae indicates that this missense variant is not expected to disrupt ST3GAL3 protein function. ClinVar contains an entry for this variant (Variation ID: 652603). This variant has not been reported in the literature in individuals affected with ST3GAL3-related conditions. This variant is present in population databases (rs780493101, gnomAD 0.05%). This sequence change replaces alanine, which is neutral and non-polar, with threonine, which is neutral and polar, at codon 213 of the ST3GAL3 protein (p.Ala213Thr).

NM_006279.5(ST3GAL3):c.637G>A (p.Ala213Thr)

Gene: ST3GAL3 (ST3 beta-galactoside alpha-2,3-sialyltransferase 3; plus strand). Cytogenetic location: 1p34.1.
Variant type: single nucleotide variant.
Coding change: c.637G>A on transcript NM_006279.5 (MANE Select); coding-DNA position 637, G replaced by A.
Protein change: p.Ala213Thr; replaces alanine 213 with threonine.
Molecular consequence: missense variant. On other transcripts: non-coding transcript variant (5), intron variant (7).
Genome position (GRCh38, 1-based): chr1:43,899,620, G>A. VCF-style: chr1-43899620-G-A. GRCh37 (hg19) VCF-style: chr1-44365292-G-A.
Other names: c.637G>A, p.Ala213Thr (NM_001270459.2, NM_001350620.2, NM_174966.4); c.544G>A, p.Ala182Thr (NM_001270460.2); c.589G>A, p.Ala197Thr (NM_001270461.3, NM_174969.4); c.496G>A, p.Ala166Thr (NM_001270462.3); c.682G>A, p.Ala228Thr (NM_001350619.2, NM_174964.4); c.358G>A, p.Ala120Thr (NM_001350621.2); c.799G>A, p.Ala267Thr (NM_001363573.2, NM_174968.5); c.844G>A, p.Ala282Thr (NM_174963.5); and 9 more; short protein forms A120T, A228T, A251T, A267T, A182T, A213T, A166T, A282T.
Identifiers: ClinVar variation 652603 (VCV000652603.7), dbSNP rs780493101, ClinGen allele CA814768.